The following is an entry in ClinVar:

ClinVar aggregate classification (germline): Likely pathogenic (1 of 4 stars; one submission).

Conditions:
Wolfram syndrome 1 (WFS1). Identifiers: Orphanet 3463, MedGen C4551693, MONDO:0009101, OMIM 222300.

gnomAD v4.1: 5 of 1,612,898 alleles (0.00031%); highest among the groups gnomAD compares: Non-Finnish European, 0.00042%; no homozygotes.

Submission:

Juno Genomics, Hangzhou Juno Genomics, Inc
Classification: Likely pathogenic for Wolfram syndrome 1. Review status: criteria provided, single submitter. Criteria: ACMG Guidelines, 2015. Collection method: clinical testing. Allele origin: germline.
Comment: Absent from controls (or at extremely low frequency if recessive) in Genome Aggregation Database.;Multiple lines of computational evidence support a deleterious effect on the gene or gene product.;For recessive disorders, detected in trans with a pathogenic variant.;Patient's phenotype or family history is highly specific for a disease with a single genetic etiology.

NM_006005.3(WFS1):c.2100G>T (p.Trp700Cys)

Gene: WFS1 (wolframin ER transmembrane glycoprotein; plus strand). Cytogenetic location: 4p16.1.
Variant type: single nucleotide variant.
Coding change: c.2100G>T on transcript NM_006005.3 (MANE Select); coding-DNA position 2100, G replaced by T.
Protein change: p.Trp700Cys; replaces tryptophan 700 with cysteine.
Molecular consequence: missense variant.
Genome position (GRCh38, 1-based): chr4:6,301,895, G>T. VCF-style: chr4-6301895-G-T. GRCh37 (hg19) VCF-style: chr4-6303622-G-T.
Other names: c.2100G>T, p.Trp700Cys (NM_001145853.1); short protein forms W700C.
Identifiers: ClinVar variation 5006789 (VCV005006789.2).